The following is an entry in ClinVar:

NM_001111125.3(IQSEC2):c.2660C>A (p.Ala887Asp)

Gene: IQSEC2 (IQ motif and Sec7 domain ArfGEF 2; minus strand). Cytogenetic location: Xp11.22.
Variant type: single nucleotide variant.
Coding change: c.2660C>A on transcript NM_001111125.3 (MANE Select); coding-DNA position 2660, C replaced by A.
Protein change: p.Ala887Asp; replaces alanine 887 with aspartic acid.
Molecular consequence: missense variant.
Genome position (GRCh38, 1-based): chrX:53,247,058, G>T on the plus strand (C>A on the coding strand, the complement: IQSEC2 is on the minus strand). VCF-style: chrX-53247058-G-T. GRCh37 (hg19) VCF-style: chrX-53276240-G-T.
Other names: c.2660C>A, p.Ala887Asp (NM_001410736.1); c.2045C>A, p.Ala682Asp (NM_015075.2); short protein forms A682D, A887D.
Identifiers: ClinVar variation 3359370 (VCV003359370.1).

ClinVar aggregate classification (germline): Uncertain significance (1 of 4 stars; one submission).

Submission:

GeneDx
Classification: Uncertain significance. Last evaluated: 2023-06-04. Review status: criteria provided, single submitter. Criteria: GeneDx Variant Classification Process June 2021. Collection method: clinical testing. Allele origin: germline. Affected: yes.
Comment: Not observed at significant frequency in large population cohorts (gnomAD); In silico analysis supports that this missense variant has a deleterious effect on protein structure/function; Has not been previously published as pathogenic or benign to our knowledge; This variant is associated with the following publications: (PMID: 20473311)